The following is an entry in ClinVar:

ClinVar aggregate classification (germline): Uncertain significance (1 of 4 stars; one submission).

Allele frequency attached by ClinVar (database versions not stated): TOPMed 0.00001; gnomAD 0.00004; ExAC 0.00019; 1000 Genomes Project 30x 0.00094; 1000 Genomes Project 0.00100.
gnomAD v4.1: 118 of 1,604,318 alleles (0.0074%); highest among the groups gnomAD compares: South Asian, 0.12%; 2 homozygotes.

Submission:

GeneDx
Classification: Uncertain significance. Last evaluated: 2022-08-25. Review status: criteria provided, single submitter. Criteria: GeneDx Variant Classification Process June 2021. Collection method: clinical testing. Allele origin: germline. Affected: yes.
Comment: In silico analysis supports that this missense variant does not alter protein structure/function; Has not been previously published as pathogenic or benign to our knowledge

NM_017757.3(ZNF407):c.6446A>G (p.Glu2149Gly)

Gene: ZNF407 (zinc finger protein 407; plus strand). Cytogenetic location: 18q22.3.
Variant type: single nucleotide variant.
Coding change: c.6446A>G on transcript NM_017757.3 (MANE Select); coding-DNA position 6446, A replaced by G.
Protein change: p.Glu2149Gly; replaces glutamic acid 2149 with glycine.
Molecular consequence: missense variant.
Genome position (GRCh38, 1-based): chr18:75,064,167, A>G. VCF-style: chr18-75064167-A-G. GRCh37 (hg19) VCF-style: chr18-72776123-A-G.
Other names: c.6446A>G, p.Glu2149Gly (NM_001384475.1); short protein forms E2149G.
Identifiers: ClinVar variation 2430983 (VCV002430983.1), dbSNP rs536984177, ClinGen allele CA9001381.